The following is an entry in ClinVar:

ClinVar aggregate classification (germline): Uncertain significance. Review status: criteria provided, multiple submitters, no conflicts (2 of 4 stars). 4 submissions from 4 submitters: Uncertain significance (3). 1 of the submissions does not count toward it. Last evaluated 2023-05-18.

Conditions:
Retinitis pigmentosa 25 (RP25). Identifiers: Orphanet 791, MedGen C1864446, MONDO:0011272, OMIM 602772.
Inborn genetic diseases. Identifiers: MedGen C0950123, MeSH D030342.

Allele frequency attached by ClinVar (database versions not stated): gnomAD 0.00001; gnomAD exomes 0.00001; TOPMed 0.00001.
gnomAD v4.1: 23 of 1,551,112 alleles (0.0015%); highest among the groups gnomAD compares: Non-Finnish European, 0.002%; no homozygotes.

Submissions (4):

Blueprint Genetics
Classification: Uncertain significance. Last evaluated: 2023-05-18. Review status: criteria provided, single submitter. Criteria: ACMG Guidelines, 2015. Collection method: clinical testing. Allele origin: germline.

Ambry Genetics
Classification: Uncertain significance for Inborn genetic diseases. Last evaluated: 2022-08-17. Review status: criteria provided, single submitter. Criteria: Ambry Variant Classification Scheme 2023. Collection method: clinical testing. Allele origin: germline.

Labcorp Genetics (formerly Invitae), Labcorp
Classification: Uncertain significance. Last evaluated: 2022-08-08. Review status: criteria provided, single submitter. Criteria: Invitae Variant Classification Sherloc (09022015). Collection method: clinical testing. Allele origin: germline.
Comment: This sequence change replaces aspartic acid, which is acidic and polar, with glutamic acid, which is acidic and polar, at codon 2696 of the EYS protein (p.Asp2696Glu). This variant is not present in population databases (gnomAD no frequency). This variant has not been reported in the literature in individuals affected with EYS-related conditions. ClinVar contains an entry for this variant (Variation ID: 965108). Algorithms developed to predict the effect of missense changes on protein structure and function are either unavailable or do not agree on the potential impact of this missense change (SIFT: "Deleterious"; PolyPhen-2: "Probably Damaging"; Align-GVGD: "Class C0"). In summary, the available evidence is currently insufficient to determine the role of this variant in disease. Therefore, it has been classified as a Variant of Uncertain Significance.

Natera, Inc.
Classification: Uncertain significance for Retinitis pigmentosa type 25. Last evaluated: 2020-06-30. Review status: no assertion criteria provided. Collection method: clinical testing. Allele origin: germline. Not counted in ClinVar's aggregate classification.

NM_001142800.2(EYS):c.8088T>A (p.Asp2696Glu)

Gene: EYS (EGF-like photoreceptor maintenance factor; minus strand). Cytogenetic location: 6q12.
Variant type: single nucleotide variant.
Coding change: c.8088T>A on transcript NM_001142800.2 (MANE Select); coding-DNA position 8088, T replaced by A.
Protein change: p.Asp2696Glu; replaces aspartic acid 2696 with glutamic acid.
Molecular consequence: missense variant.
Genome position (GRCh38, 1-based): chr6:63,726,664, A>T on the plus strand (T>A on the coding strand, the complement: EYS is on the minus strand). VCF-style: chr6-63726664-A-T. GRCh37 (hg19) VCF-style: chr6-64436557-A-T.
Other names: c.8151T>A, p.Asp2717Glu (NM_001292009.2); short protein forms D2696E, D2717E.
Identifiers: ClinVar variation 965108 (VCV000965108.7), dbSNP rs780632755, ClinGen allele CA140237404.